The following is an entry in ClinVar:

ClinVar aggregate classification (germline): Pathogenic/Likely pathogenic. Review status: criteria provided, multiple submitters, no conflicts (2 of 4 stars). 4 submissions from 4 submitters: Pathogenic (1); Likely pathogenic (3). Last evaluated 2024-11-14.

Conditions:
Nemaline myopathy 2 (NEM2). Also called: Nemaline myopathy 2, autosomal recessive. Identifiers: MedGen C1850569, MONDO:0009725, OMIM 256030.
Arthrogryposis multiplex congenita 6. Identifiers: MedGen C5543431, MONDO:0030281, OMIM 619334.

Allele frequency attached by ClinVar (database versions not stated): gnomAD exomes 0.00001; ExAC 0.00002.
gnomAD v4.1: 3 of 1,609,700 alleles (0.00019%); highest among the groups gnomAD compares: Non-Finnish European, 0.00025%; no homozygotes.

Submissions (4):

Broad Center for Mendelian Genomics, Broad Institute of MIT and Harvard
Classification: Likely pathogenic for Nemaline myopathy 2. Last evaluated: 2024-11-14. Review status: criteria provided, single submitter. Criteria: ACMG Guidelines, 2015. Collection method: curation. Allele origin: germline. Inheritance: Autosomal recessive inheritance.
Comment: The phase of these variants are unknown at this time. The c.294+1G>A variant in NEB has been previously reported in one individual with nemaline myopathy 2 (PMID: 16917880), and has been identified in 0.0003% (3/1176496) of European (non-Finnish) chromosomes by the Genome Aggregation Database (gnomAD; dbSNP ID: rs759956258). Although this variant has been seen in the general population in a heterozygous state, its frequency is low enough to be consistent with a recessive carrier frequency. This variant has also been reported in ClinVar (Variation ID: 1445319) and has been interpreted as pathogenic by Invitae and likely pathogenic by Laboratory of Medical Genetics (National & Kapodistrian University of Athens). RT-PCR analysis performed on affected tissue showed evidence of in-frame exon skipping of exon 5 (PMID: 16917880). This variant is located in the 5' splice region. Computational tools do suggest an impact to splicing, though this information is not predictive enough to determine pathogenicity. This variant is adjacent to an in-frame exon and is more likely to escape nonsense mediated decay (NMD) and result in a truncated protein. However, this information is not predictive enough to determine pathogenicity. In-frame exon skipping of the NEB gene is an established disease mechanism in autosomal recessive nemaline myopathy. The phenotype of an individual heterozygous for this variant is highly specific for nemaline myopathy based on the presence of nemaline rods on a muscle biopsy consistent with disease (PMID: 36714460). In summary, although additional studies are required to fully establish its clinical significance, this variant is likely pathogenic for autosomal recessive nemaline myopathy. ACMG/AMP Criteria applied: PVS1_Strong, PP4, PM2_Supporting (Richards 2015).

Fulgent Genetics
Classification: Likely pathogenic for Nemaline myopathy 2; Arthrogryposis multiplex congenita 6. Last evaluated: 2024-03-05. Review status: criteria provided, single submitter. Criteria: ACMG Guidelines, 2015. Collection method: clinical testing. Allele origin: germline.

Laboratory of Medical Genetics, National & Kapodistrian University of Athens
Classification: Likely pathogenic for Nemaline myopathy 2. Last evaluated: 2024-02-01. Review status: criteria provided, single submitter. Criteria: ACMG Guidelines, 2015. Collection method: curation. Allele origin: germline. Affected: no.

Labcorp Genetics (formerly Invitae), Labcorp
Classification: Pathogenic for Nemaline myopathy 2. Last evaluated: 2022-03-18. Review status: criteria provided, single submitter. Criteria: Invitae Variant Classification Sherloc (09022015). Collection method: clinical testing. Allele origin: germline.
Comment: This variant is present in population databases (rs759956258, gnomAD 0.002%). Disruption of this splice site has been observed in individual(s) with nemaline myopathy (PMID: 16917880). In at least one individual the data is consistent with being in trans (on the opposite chromosome) from a pathogenic variant. This variant is also known as g.5467G>A. Algorithms developed to predict the effect of sequence changes on RNA splicing suggest that this variant may disrupt the consensus splice site. For these reasons, this variant has been classified as Pathogenic. This sequence change affects a donor splice site in intron 5 of the NEB gene. It is expected to disrupt RNA splicing. Variants that disrupt the donor or acceptor splice site typically lead to a loss of protein function (PMID: 16199547), and loss-of-function variants in NEB are known to be pathogenic (PMID: 25205138).

Literature cited by the submitters: PubMed 16917880 (cited by Labcorp Genetics (formerly Invitae), Labcorp); PubMed 16199547 (cited by Labcorp Genetics (formerly Invitae), Labcorp); PubMed 25205138 (cited by Labcorp Genetics (formerly Invitae), Labcorp).

NM_001164508.2(NEB):c.294+1G>A

Gene: NEB (nebulin; minus strand). Cytogenetic location: 2q23.3.
Variant type: single nucleotide variant.
Coding change: c.294+1G>A on transcript NM_001164508.2 (MANE Select); the canonical splice donor site of the intron after coding-DNA position 294, G replaced by A.
Molecular consequence: splice donor variant.
Genome position (GRCh38, 1-based): chr2:151,727,690, C>T on the plus strand (G>A on the coding strand, the complement: NEB is on the minus strand). VCF-style: chr2-151727690-C-T. GRCh37 (hg19) VCF-style: chr2-152584204-C-T.
Other names: c.294+1G>A (NM_004543.5, NM_001164507.2, NM_001271208.2).
Identifiers: ClinVar variation 1445319 (VCV001445319.9), dbSNP rs759956258, ClinGen allele CA1911960.
Genomic context (GRCh38, chr2:151,727,690, plus strand): 5'-AGTTGAGATAAGTAATTTCTTAATAATCAAGCCAGGTTAGCAGAAGTTGTTTGAAACTTA[C>T]TGGGCTAAAAAGATCCTGCATTTTCTGACTGTGTGCAATGTAGGGGGTCATGAACTTTGA-3'